The following is an entry in ClinVar:

ClinVar aggregate classification (germline): Uncertain significance (1 of 4 stars; one submission).

Submission:

GeneDx
Classification: Uncertain significance. Last evaluated: 2026-01-21. Review status: criteria provided, single submitter. Criteria: GeneDx Variant Classification Process June 2021. Collection method: clinical testing. Allele origin: germline.
Comment: Not observed at significant frequency in large population cohorts (gnomAD); In-frame deletion of 1 amino acid(s) in a non-repeat region; In silico analysis suggests that this variant does not alter protein structure/function; Has not been previously published as pathogenic or benign to our knowledge

NM_001145073.3(USP27X):c.175CTG[1] (p.Leu60del)

Gene: USP27X (ubiquitin specific peptidase 27 X-linked; plus strand). Cytogenetic location: Xp11.23.
Variant type: Microsatellite.
Coding change: c.175CTG[1] on transcript NM_001145073.3 (MANE Select); one copy of the 3-base unit CTG starting at c.175; the reference has two copies in a row; one copy, 3 bases deleted.
Protein change: p.Leu60del; deletes leucine 60.
Molecular consequence: inframe deletion.
Genome position (GRCh38, 1-based): chrX:49,880,485-49,880,487, CTG deleted; deleting any 3 consecutive bases within chrX:49,880,482-49,880,487 gives the same sequence; the position shown is the placement nearest the transcript's 3' end. VCF-style (leftmost placement, unchanged base first): chrX-49880481-ACTG-A. GRCh37 (hg19) VCF-style: chrX-49645084-ACTG-A.
Other names: short protein forms L60del.
Identifiers: ClinVar variation 4975285 (VCV004975285.1).
Genomic context (GRCh38, chrX:49,880,481, plus strand): 5'-TTCAGTGCCAGGCCTTGGTGAGAAATTCCCAACCTGGGAAACAACCAAACCAGAATTAGA[ACTG>A]CTGGGGCACAACCCGAGGAGAAGAAGAATCACCTCCAGCTTTACGATCGGTTTAAGAGGA-3'